The following is an entry in ClinVar:

NM_000132.4(F8):c.2113+473del

Gene: F8 (coagulation factor VIII; minus strand). Cytogenetic location: Xq28.
Variant type: Deletion.
Coding change: c.2113+473del on transcript NM_000132.4 (MANE Select); 473 bases into the intron after coding-DNA position 2113, one base deleted (T; older notation c.2113+473delT).
Molecular consequence: intron variant.
Genome position (GRCh38, 1-based): chrX:154,947,225, A deleted on the plus strand (T on the coding strand, the reverse complement: F8 is on the minus strand); the first of 25 consecutive A bases (chrX:154,947,225-154,947,249); deleting any one gives the same sequence. VCF-style (leftmost placement, unchanged base first): chrX-154947224-GA-G. GRCh37 (hg19) VCF-style: chrX-154175499-GA-G.
Identifiers: ClinVar variation 4977498 (VCV004977498.1).

ClinVar aggregate classification (germline): Benign (1 of 4 stars; one submission).

Conditions:
F8-related disorder. Also called: F8-related condition.

Submission:

PreventionGenetics, part of Exact Sciences
Classification: Benign for F8-related condition. Last evaluated: 2025-10-20. Review status: criteria provided, single submitter. Criteria: ACMG Guidelines, 2015. Collection method: clinical testing. Allele origin: germline.
Comment: This variant is classified as benign based on ACMG/AMP sequence variant interpretation guidelines (Richards et al. 2015 PMID: 25741868, with internal and published modifications).